The following is an entry in ClinVar:

ClinVar aggregate classification (germline): Uncertain significance (1 of 4 stars; one submission).

Submission:

Labcorp Genetics (formerly Invitae), Labcorp
Classification: Uncertain significance. Last evaluated: 2024-10-21. Review status: criteria provided, single submitter. Criteria: Invitae Variant Classification Sherloc (09022015). Collection method: clinical testing. Allele origin: germline.
Comment: This sequence change falls in intron 19 of the PITPNM3 gene. It does not directly change the encoded amino acid sequence of the PITPNM3 protein. This variant is present in population databases (rs760577412, gnomAD 0.002%). This variant has not been reported in the literature in individuals affected with PITPNM3-related conditions. Experimental studies and prediction algorithms are not available or were not evaluated, and the effect of this variant on mRNA splicing is currently unknown. In summary, the available evidence is currently insufficient to determine the role of this variant in disease. Therefore, it has been classified as a Variant of Uncertain Significance.

NM_031220.4(PITPNM3):c.2620-26_2620-12del

Gene: PITPNM3 (PITPNM family member 3; minus strand). Cytogenetic location: 17p13.2.
Variant type: Deletion.
Coding change: c.2620-26_2620-12del on transcript NM_031220.4 (MANE Select); 26 bases into the intron before coding-DNA position 2620 through 12 bases into the intron before coding-DNA position 2620, 15 bases deleted (CCCCTGCCCTCCCCT).
Molecular consequence: intron variant.
Genome position (GRCh38, 1-based): chr17:6,455,655-6,455,669, AGGGGAGGGCAGGGG deleted on the plus strand (CCCCTGCCCTCCCCT on the coding strand, the reverse complement: PITPNM3 is on the minus strand); deleting any 15 consecutive bases within chr17:6,455,655-6,455,673 gives the same sequence; the c. name uses the placement nearest the transcript's 3' end. VCF-style (leftmost placement, unchanged base first): chr17-6455654-CAGGGGAGGGCAGGGG-C. GRCh37 (hg19) VCF-style: chr17-6358974-CAGGGGAGGGCAGGGG-C.
Other names: c.2512-26_2512-12del (NM_001165966.2).
Identifiers: ClinVar variation 3613322 (VCV003613322.2).